The following is an entry in ClinVar:

NM_000238.4(KCNH2):c.1557+6G>T

Gene: KCNH2 (potassium voltage-gated channel subfamily H member 2; minus strand). Cytogenetic location: 7q36.1.
Variant type: single nucleotide variant.
Coding change: c.1557+6G>T on transcript NM_000238.4 (MANE Select); 6 bases into the intron after coding-DNA position 1557, G replaced by T.
Molecular consequence: intron variant.
Genome position (GRCh38, 1-based): chr7:150,952,419, C>A on the plus strand (G>T on the coding strand, the complement: KCNH2 is on the minus strand). VCF-style: chr7-150952419-C-A. GRCh37 (hg19) VCF-style: chr7-150649507-C-A.
Other names: c.1269+6G>T (NM_001406753.1, NM_001406756.1); c.537+6G>T (NM_172057.3, NM_001204798.2); c.1557+6G>T (NM_172056.3); c.1380+6G>T (NM_001406755.1); c.1257+6G>T (NM_001406757.1).
Identifiers: ClinVar variation 4756888 (VCV004756888.1).

ClinVar aggregate classification (germline): Uncertain significance (1 of 4 stars; one submission).

Conditions:
Cardiac arrhythmia. Also called: Arrhythmia; Cardiac rhythm disease. Identifiers: MedGen C0003811, MONDO:0007263, HP:0011675.

Submission:

Color Diagnostics, LLC DBA Color Health
Classification: Uncertain significance for Cardiac arrhythmia. Last evaluated: 2025-06-23. Review status: criteria provided, single submitter. Criteria: ACMG Guidelines, 2015. Collection method: clinical testing. Allele origin: germline.
Comment: This variant causes a G to T nucleotide substitution at the +6 position of intron 6/14 of the KCNH2 gene. To our knowledge, functional studies have not been reported for this variant. This variant has not been reported in individuals affected with KCNH2-related disorders in the literature. This variant has not been identified in the general population by the Genome Aggregation Database (gnomAD). The available evidence is insufficient to determine the role of this variant in disease conclusively. Therefore, this variant is classified as a Variant of Uncertain Significance.